The following is an entry in ClinVar:

ClinVar aggregate classification (germline): Uncertain significance (1 of 4 stars; one submission).

Conditions:
Fanconi anemia complementation group J. Also called: BRIP1-Related Fanconi Anemia. Identifiers: Orphanet 84, MedGen C1836860, MONDO:0012187, OMIM 609054.
Familial cancer of breast. Also called: hereditary breast carcinoma; Hereditary breast cancer; BREAST CANCER, FAMILIAL. Identifiers: Orphanet 227535, MedGen C0346153, MONDO:0016419, OMIM 114480. Disease mechanism: loss of function.

Submission:

Labcorp Genetics (formerly Invitae), Labcorp
Classification: Uncertain significance for Familial cancer of breast; Fanconi anemia complementation group J. Last evaluated: 2025-04-07. Review status: criteria provided, single submitter. Criteria: Invitae Variant Classification Sherloc (09022015). Collection method: clinical testing. Allele origin: germline.
Comment: This sequence change replaces leucine, which is neutral and non-polar, with valine, which is neutral and non-polar, at codon 811 of the BRIP1 protein (p.Leu811Val). This variant is not present in population databases (gnomAD no frequency). This variant has not been reported in the literature in individuals affected with BRIP1-related conditions. ClinVar contains an entry for this variant (Variation ID: 1499877). Invitae Evidence Modeling of protein sequence and biophysical properties (such as structural, functional, and spatial information, amino acid conservation, physicochemical variation, residue mobility, and thermodynamic stability) has been performed for this missense variant. However, the output from this modeling did not meet the statistical confidence thresholds required to predict the impact of this variant on BRIP1 protein function. In summary, the available evidence is currently insufficient to determine the role of this variant in disease. Therefore, it has been classified as a Variant of Uncertain Significance.

NM_032043.3(BRIP1):c.2431C>G (p.Leu811Val)

Gene: BRIP1 (BRCA1 interacting DNA helicase 1; minus strand). Cytogenetic location: 17q23.2.
Variant type: single nucleotide variant.
Coding change: c.2431C>G on transcript NM_032043.3 (MANE Select); coding-DNA position 2431, C replaced by G.
Protein change: p.Leu811Val; replaces leucine 811 with valine.
Molecular consequence: missense variant.
Genome position (GRCh38, 1-based): chr17:61,716,012, G>C on the plus strand (C>G on the coding strand, the complement: BRIP1 is on the minus strand). VCF-style: chr17-61716012-G-C. GRCh37 (hg19) VCF-style: chr17-59793373-G-C.
Other names: short protein forms L811V.
Identifiers: ClinVar variation 1499877 (VCV001499877.9), dbSNP rs2144381821, ClinGen allele CA400479644.